The following is an entry in ClinVar:

ClinVar aggregate classification (germline): Uncertain significance (1 of 4 stars; one submission).

Conditions:
Hereditary cancer-predisposing syndrome. Also called: Tumor predisposition; Neoplastic Syndromes, Hereditary; Hereditary Cancer Syndrome; Hereditary neoplastic syndrome. Identifiers: Orphanet 140162, MedGen C0027672, MeSH D009386, MONDO:0015356.

Submission:

Ambry Genetics
Classification: Uncertain significance for Hereditary cancer-predisposing syndrome. Last evaluated: 2024-12-08. Review status: criteria provided, single submitter. Criteria: Ambry Variant Classification Scheme 2023. Collection method: clinical testing. Allele origin: germline.
Comment: The p.I770T variant (also known as c.2309T>C), located in coding exon 10 of the BRCA2 gene, results from a T to C substitution at nucleotide position 2309. The isoleucine at codon 770 is replaced by threonine, an amino acid with similar properties. This amino acid position is conserved. In addition, this alteration is predicted to be tolerated by in silico analysis. Based on the available evidence, the clinical significance of this variant remains unclear.

NM_000059.4(BRCA2):c.2309T>C (p.Ile770Thr)

Gene: BRCA2 (BRCA2 DNA repair associated; plus strand). Cytogenetic location: 13q13.1.
Variant type: single nucleotide variant.
Coding change: c.2309T>C on transcript NM_000059.4 (MANE Select); coding-DNA position 2309, T replaced by C.
Protein change: p.Ile770Thr; replaces isoleucine 770 with threonine.
Molecular consequence: missense variant. On other transcripts: non-coding transcript variant (1), intron variant (2).
Genome position (GRCh38, 1-based): chr13:32,336,664, T>C. VCF-style: chr13-32336664-T-C. GRCh37 (hg19) VCF-style: chr13-32910801-T-C.
Other names: c.2309T>C, p.Ile770Thr (NM_001406719.1, NM_001406720.1, NM_001432077.1); c.1909+3277T>C (NM_001406721.1); c.424+5634T>C (NM_001406722.1); short protein forms I770T.
Identifiers: ClinVar variation 3482216 (VCV003482216.1).